The following is an entry in ClinVar:

NM_000081.4(LYST):c.4421G>C (p.Ser1474Thr)

Gene: LYST (lysosomal trafficking regulator; minus strand). Cytogenetic location: 1q42.3.
Variant type: single nucleotide variant.
Coding change: c.4421G>C on transcript NM_000081.4 (MANE Select); coding-DNA position 4421, G replaced by C.
Protein change: p.Ser1474Thr; replaces serine 1474 with threonine.
Molecular consequence: missense variant.
Genome position (GRCh38, 1-based): chr1:235,791,821, C>G on the plus strand (G>C on the coding strand, the complement: LYST is on the minus strand). VCF-style: chr1-235791821-C-G. GRCh37 (hg19) VCF-style: chr1-235955121-C-G.
Other names: c.4421G>C, p.Ser1474Thr (NM_001301365.1); short protein forms S1474T.
Identifiers: ClinVar variation 1378820 (VCV001378820.3), dbSNP rs1423394609, ClinGen allele CA344959546.

ClinVar aggregate classification (germline): Uncertain significance (1 of 4 stars; one submission).

Conditions:
Chédiak-Higashi syndrome (CHS). Also called: Chediak-Higashi Syndrome. Identifiers: Orphanet 167, MedGen C0007965, MONDO:0008963, OMIM 214500.

Allele frequency attached by ClinVar (database versions not stated): TOPMed below 0.00001; gnomAD 0.00001.
gnomAD v4.1: 2 of 1,614,028 alleles (0.00012%); highest among the groups gnomAD compares: African/African-American, 0.0027%; no homozygotes.

Submission:

Labcorp Genetics (formerly Invitae), Labcorp
Classification: Uncertain significance for Chédiak-Higashi syndrome. Last evaluated: 2022-06-20. Review status: criteria provided, single submitter. Criteria: Invitae Variant Classification Sherloc (09022015). Collection method: clinical testing. Allele origin: germline.
Comment: This sequence change replaces serine, which is neutral and polar, with threonine, which is neutral and polar, at codon 1474 of the LYST protein (p.Ser1474Thr). This variant is present in population databases (no rsID available, gnomAD 0.008%). This variant has not been reported in the literature in individuals affected with LYST-related conditions. Algorithms developed to predict the effect of missense changes on protein structure and function are either unavailable or do not agree on the potential impact of this missense change (SIFT: "Tolerated"; PolyPhen-2: "Probably Damaging"; Align-GVGD: "Class C0"). In summary, the available evidence is currently insufficient to determine the role of this variant in disease. Therefore, it has been classified as a Variant of Uncertain Significance.